The following is an entry in ClinVar:

ClinVar aggregate classification (germline): Pathogenic (1 of 4 stars; one submission).

Submission:

Labcorp Genetics (formerly Invitae), Labcorp
Classification: Pathogenic. Last evaluated: 2023-11-21. Review status: criteria provided, single submitter. Criteria: Invitae Variant Classification Sherloc (09022015). Collection method: clinical testing. Allele origin: germline.
Comment: This sequence change creates a premature translational stop signal (p.Thr47Asnfs*7) in the VLDLR gene. It is expected to result in an absent or disrupted protein product. Loss-of-function variants in VLDLR are known to be pathogenic (PMID: 18043714, 18326629, 22532556). This variant is not present in population databases (gnomAD no frequency). This variant has not been reported in the literature in individuals affected with VLDLR-related conditions. For these reasons, this variant has been classified as Pathogenic.

Literature cited by the submitters: PubMed 18043714; PubMed 18326629; PubMed 22532556.

NM_003383.5(VLDLR):c.139dup (p.Thr47fs)

Gene: VLDLR (very low density lipoprotein receptor; plus strand). Cytogenetic location: 9p24.2.
Variant type: Duplication.
Coding change: c.139dup on transcript NM_003383.5 (MANE Select); coding-DNA position 139, one base duplicated (A; older notation c.139dupA).
Protein change: p.Thr47fs; shifts the reading frame from threonine 47.
Molecular consequence: frameshift variant.
Genome position (GRCh38, 1-based): chr9:2,635,509, A duplicated. VCF-style (leftmost placement, unchanged base first): chr9-2635508-T-TA. GRCh37 (hg19) VCF-style: chr9-2635508-T-TA.
Other names: c.139dup, p.Thr47fs (NM_001018056.3, NM_001322225.2, NM_001322226.2); short protein forms T47fs.
Identifiers: ClinVar variation 2766171 (VCV002766171.3), dbSNP rs2488711350, ClinGen allele CA2697550273.